The following is an entry in ClinVar:

ClinVar aggregate classification (germline): Pathogenic. Review status: criteria provided, multiple submitters, no conflicts (2 of 4 stars). 3 submissions from 3 submitters: Pathogenic (2). 1 of the submissions does not count toward it. Last evaluated 2025-06-09.

Conditions:
GNPTG-mucolipidosis. Also called: ML III GAMMA; ML IIIC; Mucolipidosis type III gamma; MUCOLIPIDOSIS III, COMPLEMENTATION GROUP C; MUCOLIPIDOSIS III, IRANIAN VARIANT FORM; MUCOLIPIDOSIS III, VARIANT FORM. Identifiers: Orphanet 423470, Orphanet 577, MedGen C1854896, MONDO:0009652, OMIM 252605.

Submissions (3):

Natera, Inc.
Classification: Pathogenic for Mucolipidosis III gamma. Last evaluated: 2025-06-09. Review status: criteria provided, single submitter. Criteria: Natera Variant Classification Schema (03/2026). Collection method: clinical testing. Allele origin: germline.
Comment: The c.328G>T variant in GNPTG is a nonsense variant predicted to introduce a stop codon at amino acid 110. This variant is expected to result in nonsense mediated decay, truncation, or a dysfunctional protein product. This variant is rare in the general population with a frequency below the threshold expected for the associated phenotype(s). This variant has been observed in one or more individuals affected with the associated recessive disease, as either homozygous or compound heterozygous with a second variant (PMID: 27896079). Given the available evidence, this variant is classified as Pathogenic.

Labcorp Genetics (formerly Invitae), Labcorp
Classification: Pathogenic. Last evaluated: 2021-07-28. Review status: criteria provided, single submitter. Criteria: Invitae Variant Classification Sherloc (09022015). Collection method: clinical testing. Allele origin: germline.
Comment: For these reasons, this variant has been classified as Pathogenic. This variant has been observed in individual(s) with mucolipidosis III gamma (PMID: 27896079, 26935170). ClinVar contains an entry for this variant (Variation ID: 554488). This variant is not present in population databases (ExAC no frequency). This sequence change creates a premature translational stop signal (p.Glu110*) in the GNPTG gene. It is expected to result in an absent or disrupted protein product. Loss-of-function variants in GNPTG are known to be pathogenic (PMID: 19370764, 20301784).

Counsyl
Classification: Pathogenic for GNPTG-mucolipidosis. Last evaluated: 2017-10-23. Review status: no assertion criteria provided. Collection method: clinical testing. Allele origin: unknown. Not counted in ClinVar's aggregate classification.

Literature cited by the submitters: PubMed 27896079 (cited by 3 submitters); PubMed 26935170 (cited by Labcorp Genetics (formerly Invitae), Labcorp and Counsyl); PubMed 19370764 (cited by Labcorp Genetics (formerly Invitae), Labcorp); PubMed 20301784 (cited by Labcorp Genetics (formerly Invitae), Labcorp).

NM_032520.5(GNPTG):c.328G>T (p.Glu110Ter)

Gene: GNPTG (N-acetylglucosamine-1-phosphate transferase subunit gamma; plus strand). Cytogenetic location: 16p13.3.
Variant type: single nucleotide variant.
Coding change: c.328G>T on transcript NM_032520.5 (MANE Select); coding-DNA position 328, G replaced by T.
Protein change: p.Glu110Ter; replaces glutamic acid 110 with a stop codon.
Molecular consequence: nonsense.
Genome position (GRCh38, 1-based): chr16:1,362,048, G>T. VCF-style: chr16-1362048-G-T. GRCh37 (hg19) VCF-style: chr16-1412049-G-T.
Other names: short protein forms E110*.
Identifiers: ClinVar variation 554488 (VCV000554488.11), dbSNP rs763678034, ClinGen allele CA394187200.